The following is an entry in ClinVar:

ClinVar aggregate classification (germline): Conflicting classifications of pathogenicity. Review status: criteria provided, conflicting classifications (1 of 4 stars). 27 submissions from 21 submitters: Uncertain significance (9); Benign (3); Likely benign (10). 5 of the submissions do not count toward it. Last evaluated 2026-04-01.

Conditions:
TTN-related disorder. Also called: TTN-related condition; TTN-related disease; TTN-related disorders.
Cardiomyopathy (CMYO). Also called: Cardiomyopathies. Identifiers: Orphanet 167848, MedGen C0878544, MONDO:0004994, HP:0001638. Inheritance: Various modes of inheritance.
Long QT syndrome (LQTS). Identifiers: MedGen C0023976, MeSH D008133, MONDO:0002442. Disease mechanism: loss of function. Inheritance: Various modes of inheritance.
Hypertrophic cardiomyopathy. Also called: HYPERTROPHIC MYOCARDIOPATHY. Identifiers: Orphanet 217569, MedGen C0007194, MeSH D002312, MONDO:0005045, HP:0001639.
Dilated cardiomyopathy 1G (CMD1G). Identifiers: Orphanet 154, MedGen C1858763, MONDO:0011400, OMIM 604145.
Autosomal recessive limb-girdle muscular dystrophy type 2J (LGMDR10). Also called: Limb-girdle muscular dystrophy, type 2J; MUSCULAR DYSTROPHY, LIMB-GIRDLE, AUTOSOMAL RECESSIVE 10. Identifiers: Orphanet 140922, MedGen C1837342, MONDO:0012127, OMIM 608807.
Early-onset myopathy with fatal cardiomyopathy (CMYO5). Also called: Salih Myopathy; CONGENITAL MYOPATHY 5 WITH CARDIOMYOPATHY. Identifiers: Orphanet 289377, MedGen C2673677, MONDO:0012714, OMIM 611705. Disease mechanism: loss of function.
Myopathy, myofibrillar, 9, with early respiratory failure (MFM9). Also called: Hereditary myopathy with early respiratory failure; Myopathy, distal, with early respiratory failure, autosomal dominant; EDSTROM MYOPATHY; MYOPATHY, PROXIMAL, WITH EARLY RESPIRATORY MUSCLE INVOLVEMENT. Identifiers: Orphanet 178464, Orphanet 34521, MedGen C1863599, MONDO:0011362, OMIM 603689.
Tibial muscular dystrophy (TMD). Also called: Udd Distal Myopathy – Tibial Muscular Dystrophy; Tibial muscular dystrophy, tardive; UDD MYOPATHY. Identifiers: Orphanet 609, MedGen C1838244, MONDO:0010870, OMIM 600334.

Allele frequency attached by ClinVar (database versions not stated): ExAC 0.00088; 1000 Genomes Project 0.00100; gnomAD 0.00138 and 0.00153; ESP Exome Variant Server 0.00139; 1000 Genomes Project 30x 0.00141.
gnomAD v4.1: 2,971 of 1,526,754 alleles (0.19%); highest among the groups gnomAD compares: Non-Finnish European, 0.25%; 5 homozygotes.

Submissions 1 to 17 of 27:

CeGaT Center for Human Genetics Tuebingen
Classification: Likely benign. Last evaluated: 2026-04-01. Review status: criteria provided, single submitter. Criteria: CeGaT Center For Human Genetics Tuebingen Variant Classification Criteria Version 2. Collection method: clinical testing. Allele origin: germline. Affected: yes. Observed: 12 variant alleles.
Comment: TTN: BP4, BS1

Labcorp Genetics (formerly Invitae), Labcorp
Classification: Likely benign for Dilated cardiomyopathy 1G; Autosomal recessive limb-girdle muscular dystrophy type 2J. Last evaluated: 2026-02-04. Review status: criteria provided, single submitter. Criteria: Invitae Variant Classification Sherloc (09022015). Collection method: clinical testing. Allele origin: germline.

Mayo Clinic Laboratories, Mayo Clinic
Classification: Likely benign. Last evaluated: 2025-06-04. Review status: criteria provided, single submitter. Criteria: ACMG Guidelines, 2015. Collection method: clinical testing. Allele origin: germline. Observed: 13 variant alleles.
Comment: BS2, BP4

Molecular Diagnostic Laboratory for Inherited Cardiovascular Disease, Montreal Heart Institute
Classification: Likely benign. Last evaluated: 2025-04-09. Review status: criteria provided, single submitter. Criteria: ACMG Guidelines, 2015. Collection method: clinical testing. Allele origin: germline. Affected: no.

Blueprint Genetics
Classification: Likely benign. Last evaluated: 2024-11-26. Review status: criteria provided, single submitter. Criteria: ACMG Guidelines, 2015. Collection method: clinical testing. Allele origin: germline.

Athena Diagnostics
Classification: Benign. Last evaluated: 2024-05-07. Review status: criteria provided, single submitter. Criteria: Athena Diagnostics Criteria. Collection method: clinical testing. Allele origin: unknown.

ARUP Laboratories, Molecular Genetics and Genomics, ARUP Laboratories
Classification: Likely benign. Last evaluated: 2024-04-17. Review status: criteria provided, single submitter. Criteria: ARUP Molecular Germline Variant Investigation Process 2024. Collection method: clinical testing. Allele origin: germline.

Women's Health and Genetics/Laboratory Corporation of America, LabCorp
Classification: Likely benign. Last evaluated: 2019-12-24. Review status: criteria provided, single submitter. Criteria: LabCorp Variant Classification Summary - May 2015. Collection method: clinical testing. Allele origin: germline.
Comment: Variant summary: TTN c.26986G>T (p.Val8996Phe) results in a non-conservative amino acid change located in the I-band region of the encoded protein sequence. Three of five in-silico tools predict a benign effect of the variant on protein function. The variant allele was found at a frequency of 0.00084 in 151082 control chromosomes, predominantly at a frequency of 0.0018 within the Non-Finnish European subpopulation in the gnomAD database. The observed variant frequency within Non-Finnish European control individuals in the gnomAD database is approximately 2.9-fold the estimated maximal allele frequency expected for a pathogenic variant in TTN causing Cardiomyopathy phenotype (0.00063), strongly suggesting that the variant is a benign polymorphism found primarily in populations of Non-Finnish European origin. To our knowledge, no occurrence of c.26986G>T in individuals affected with Cardiomyopathy and no experimental evidence demonstrating an impact on protein function have been reported in the literature. Co-occurrence with another pathogenic variant has been reported (MYH7 c.1207C>T, p.Arg403Trp-internal sample), providing supporting evidence for a benign role. Seven ClinVar submitters (evaluation after 2014) have cited the variant as likely benign (n=4) and uncertain significance (n=3). Based on the evidence outlined above, the variant was classified as likely benign.

Center for Advanced Laboratory Medicine, UC San Diego Health, University of California San Diego
Classification: Likely benign for Cardiomyopathy; Long QT Syndrome; Hypertrophic cardiomyopathy. Last evaluated: 2018-04-23. Review status: criteria provided, single submitter. Criteria: ACMG Guidelines, 2015. Collection method: clinical testing. Allele origin: germline. Affected: yes. Observed: 3 variant alleles.

Illumina Laboratory Services, Illumina
Classification: Benign for Tibial muscular dystrophy. Last evaluated: 2018-01-12. Review status: criteria provided, single submitter. Criteria: ICSL Variant Classification Criteria 13 December 2019. Collection method: clinical testing. Allele origin: germline.
Comment: This variant was observed in the ICSL laboratory as part of a predisposition screen in an ostensibly healthy population. It had not been previously curated by ICSL or reported in the Human Gene Mutation Database (HGMD: prior to June 1st, 2018), and was therefore a candidate for classification through an automated scoring system. Utilizing variant allele frequency, disease prevalence and penetrance estimates, and inheritance mode, an automated score was calculated to assess if this variant is too frequent to cause the disease. Based on the score and internal cut-off values, a variant classified as benign is not then subjected to further curation. The score for this variant resulted in a classification of benign for this disease.

Illumina Laboratory Services, Illumina
Classification: Uncertain significance for Dilated cardiomyopathy 1G. Last evaluated: 2018-01-12. Review status: criteria provided, single submitter. Criteria: ICSL Variant Classification Criteria 13 December 2019. Collection method: clinical testing. Allele origin: germline.

Illumina Laboratory Services, Illumina
Classification: Benign for Myopathy, myofibrillar, 9, with early respiratory failure. Last evaluated: 2018-01-12. Review status: criteria provided, single submitter. Criteria: ICSL Variant Classification Criteria 13 December 2019. Collection method: clinical testing. Allele origin: germline.
Comment: the same text as in the submission from Illumina Laboratory Services, Illumina above.

Illumina Laboratory Services, Illumina
Classification: Uncertain significance for Autosomal recessive limb-girdle muscular dystrophy type 2J. Last evaluated: 2018-01-12. Review status: criteria provided, single submitter. Criteria: ICSL Variant Classification Criteria 13 December 2019. Collection method: clinical testing. Allele origin: germline.

Illumina Laboratory Services, Illumina
Classification: Uncertain significance for Early-onset myopathy with fatal cardiomyopathy. Last evaluated: 2018-01-12. Review status: criteria provided, single submitter. Criteria: ICSL Variant Classification Criteria 13 December 2019. Collection method: clinical testing. Allele origin: germline.

GeneDx
Classification: Likely benign. Last evaluated: 2017-09-14. Review status: criteria provided, single submitter. Criteria: GeneDx Variant Classification (06012015). Collection method: clinical testing. Allele origin: germline. Affected: yes.
Comment: This variant is considered likely benign or benign based on one or more of the following criteria: it is a conservative change, it occurs at a poorly conserved position in the protein, it is predicted to be benign by multiple in silico algorithms, and/or has population frequency not consistent with disease.

Phosphorus, Inc.
Classification: Uncertain significance for Dilated cardiomyopathy 1G. Last evaluated: 2017-08-01. Review status: criteria provided, single submitter. Criteria: ACMG Guidelines, 2015. Collection method: clinical testing. Allele origin: germline. Observed: 1 variant allele.

Phosphorus, Inc.
Classification: Uncertain significance for Autosomal recessive limb-girdle muscular dystrophy type 2J. Last evaluated: 2017-08-01. Review status: criteria provided, single submitter. Criteria: ACMG Guidelines, 2015. Collection method: clinical testing. Allele origin: germline. Observed: 1 variant allele.

NM_001267550.2(TTN):c.30718G>T (p.Val10240Phe)

Gene: TTN (titin; minus strand). Cytogenetic location: 2q31.2.
Variant type: single nucleotide variant.
Coding change: c.30718G>T on transcript NM_001267550.2 (MANE Select); coding-DNA position 30718, G replaced by T.
Protein change: p.Val10240Phe; replaces valine 10240 with phenylalanine.
Molecular consequence: missense variant. On other transcripts: intron variant (3).
Genome position (GRCh38, 1-based): chr2:178,698,879, C>A on the plus strand (G>T on the coding strand, the complement: TTN is on the minus strand). VCF-style: chr2-178698879-C-A. GRCh37 (hg19) VCF-style: chr2-179563606-C-A.
Other names: p.V9923F:GTT>TTT; c.29767G>T, p.Val9923Phe (NM_001256850.1); c.26986G>T, p.Val8996Phe (NM_133378.4); c.13282+39203G>T (NM_003319.4); c.13858+39203G>T (NM_133437.4); c.13657+39203G>T (NM_133432.3); short protein forms V10240F, V8996F, V9923F.
Identifiers: ClinVar variation 46841 (VCV000046841.86), dbSNP rs111671438, ClinGen allele CA139329.
Genomic context (GRCh38, chr2:178,698,879, plus strand): 5'-CTGCTTTTTGATTAATTATAATACCTTCACGTGGTGTCATCTCTTTGGGCTTTGCAACAA[C>A]TTTTTTGGCATCTTTCTTCACAGCCTTTTTGGTAACTAAAAAAAAAAAAAAAGAAAAAAA-3'
Protein context (NP_001254479.2, residues 10230-10250): KKAVKKDAKK[Val10240Phe]VAKPKEMTPR